The following is an entry in ClinVar:

NM_001348716.2(KDM6B):c.3803G>T (p.Cys1268Phe)

Genes: KDM6B (lysine demethylase 6B; plus strand), LOC121587574 (Sharpr-MPRA regulatory region 3930; plus strand). Cytogenetic location: 17p13.1.
Variant type: single nucleotide variant.
Coding change: c.3803G>T on transcript NM_001348716.2 (MANE Select); coding-DNA position 3803, G replaced by T.
Protein change: p.Cys1268Phe; replaces cysteine 1268 with phenylalanine.
Molecular consequence: missense variant.
Genome position (GRCh38, 1-based): chr17:7,851,150, G>T. VCF-style: chr17-7851150-G-T. GRCh37 (hg19) VCF-style: chr17-7754468-G-T.
Other names: c.3803G>T, p.Cys1268Phe (NM_001080424.2); short protein forms C1268F.
Identifiers: ClinVar variation 4293041 (VCV004293041.1).

ClinVar aggregate classification (germline): Uncertain significance (1 of 4 stars; one submission).

Conditions:
Neurodevelopmental disorder with coarse facies and mild distal skeletal abnormalities. Also called: STOLERMAN NEURODEVELOPMENTAL SYNDROME. Identifiers: MedGen C5193134, MONDO:0032790, OMIM 618505.

Submission:

3billion
Classification: Uncertain significance for Neurodevelopmental disorder with coarse facies and mild distal skeletal abnormalities. Last evaluated: 2024-11-18. Review status: criteria provided, single submitter. Criteria: ACMG Guidelines, 2015. Collection method: clinical testing. Allele origin: germline. Affected: yes.
Comment: The variant is not observed in the gnomAD v4.1.0 dataset. Predicted Consequence/Location: Missense variant. In silico tool predictions suggest damaging effect of the variant on gene or gene product [REVEL: 0.73 (>=0.6, sensitivity 0.68 and specificity 0.92); 3Cnet: 0.64 (>=0.6, sensitivity 0.72 and precision 0.9)]. Therefore, this variant is classified as VUS according to the recommendation of ACMG/AMP guideline.